The following is an entry in ClinVar:

NM_001267550.2(TTN):c.46309A>T (p.Lys15437Ter)

Genes: TTN (titin; minus strand), TTN-AS1 (TTN antisense RNA 1; plus strand). Cytogenetic location: 2q31.2.
Variant type: single nucleotide variant.
Coding change: c.46309A>T on transcript NM_001267550.2 (MANE Select); coding-DNA position 46309, A replaced by T.
Protein change: p.Lys15437Ter; replaces lysine 15437 with a stop codon.
Molecular consequence: nonsense. On other transcripts: non-coding transcript variant (1).
Genome position (GRCh38, 1-based): chr2:178,620,108, T>A on the plus strand (A>T on the coding strand, the complement: TTN is on the minus strand). VCF-style: chr2-178620108-T-A. GRCh37 (hg19) VCF-style: chr2-179484835-T-A.
Other names: c.41386A>T, p.Lys13796Ter (NM_001256850.1); c.19114A>T, p.Lys6372Ter (NM_003319.4); c.38605A>T, p.Lys12869Ter (NM_133378.4); c.19489A>T, p.Lys6497Ter (NM_133432.3); c.19690A>T, p.Lys6564Ter (NM_133437.4); short protein forms K13796*, K6372*, K6564*, K12869*, K15437*, K6497*.
Identifiers: ClinVar variation 1390014 (VCV001390014.6), dbSNP rs2154210717, ClinGen allele CA349627605.

ClinVar aggregate classification (germline): Likely pathogenic (1 of 4 stars; one submission).

Conditions:
Dilated cardiomyopathy 1G (CMD1G). Identifiers: Orphanet 154, MedGen C1858763, MONDO:0011400, OMIM 604145.
Autosomal recessive limb-girdle muscular dystrophy type 2J (LGMDR10). Also called: Limb-girdle muscular dystrophy, type 2J; MUSCULAR DYSTROPHY, LIMB-GIRDLE, AUTOSOMAL RECESSIVE 10. Identifiers: Orphanet 140922, MedGen C1837342, MONDO:0012127, OMIM 608807.

Submission:

Labcorp Genetics (formerly Invitae), Labcorp
Classification: Likely pathogenic for Dilated cardiomyopathy 1G; Autosomal recessive limb-girdle muscular dystrophy type 2J. Last evaluated: 2024-10-18. Review status: criteria provided, single submitter. Criteria: Invitae Variant Classification Sherloc (09022015). Collection method: clinical testing. Allele origin: germline.
Comment: This sequence change creates a premature translational stop signal (p.Lys15437*) in the TTN gene. While this is not anticipated to result in nonsense mediated decay, it is expected to create a truncated TTN protein. This variant is not present in population databases (gnomAD no frequency). This variant has not been reported in the literature in individuals affected with TTN-related conditions. ClinVar contains an entry for this variant (Variation ID: 1390014). Algorithms developed to predict the effect of sequence changes on RNA splicing suggest that this variant may disrupt the consensus splice site. This variant is located in the I band of TTN (PMID: 25589632). Truncating variants in this region have been reported in individuals affected with autosomal recessive centronuclear myopathy (PMID: 23975875, internal data). Truncating variants in this region have also been identified in individuals affected with autosomal dominant dilated cardiomyopathy and/or cardio-related conditions (PMID: 27869827, 32964742, internal data). In summary, the currently available evidence indicates that the variant is pathogenic, but additional data are needed to prove that conclusively. Therefore, this variant has been classified as Likely Pathogenic.

Literature cited by the submitters: PubMed 25589632; PubMed 23975875; PubMed 27869827; PubMed 32964742.